The following is an entry in ClinVar:

ClinVar aggregate classification (germline): Uncertain significance (1 of 4 stars; one submission).

Allele frequency attached by ClinVar (database versions not stated): gnomAD 0.00002.
gnomAD v4.1: 4 of 1,314,832 alleles (0.0003%); highest among the groups gnomAD compares: East Asian, 0.0032%; no homozygotes.

Submission:

Labcorp Genetics (formerly Invitae), Labcorp
Classification: Uncertain significance. Last evaluated: 2024-07-30. Review status: criteria provided, single submitter. Criteria: Invitae Variant Classification Sherloc (09022015). Collection method: clinical testing. Allele origin: germline.
Comment: This sequence change replaces proline, which is neutral and non-polar, with glutamine, which is neutral and polar, at codon 1263 of the GRIN2D protein (p.Pro1263Gln). This variant is present in population databases (no rsID available, gnomAD 0.06%). This variant has not been reported in the literature in individuals affected with GRIN2D-related conditions. Advanced modeling of protein sequence and biophysical properties (such as structural, functional, and spatial information, amino acid conservation, physicochemical variation, residue mobility, and thermodynamic stability) performed at Invitae indicates that this missense variant is not expected to disrupt GRIN2D protein function with a negative predictive value of 95%. In summary, the available evidence is currently insufficient to determine the role of this variant in disease. Therefore, it has been classified as a Variant of Uncertain Significance.

NM_000836.4(GRIN2D):c.3788C>A (p.Pro1263Gln)

Gene: GRIN2D (glutamate ionotropic receptor NMDA type subunit 2D; plus strand). Cytogenetic location: 19q13.33.
Variant type: single nucleotide variant.
Coding change: c.3788C>A on transcript NM_000836.4 (MANE Select); coding-DNA position 3788, C replaced by A.
Protein change: p.Pro1263Gln; replaces proline 1263 with glutamine.
Molecular consequence: missense variant.
Genome position (GRCh38, 1-based): chr19:48,443,714, C>A. VCF-style: chr19-48443714-C-A. GRCh37 (hg19) VCF-style: chr19-48946971-C-A.
Other names: short protein forms P1263Q.
Identifiers: ClinVar variation 2907893 (VCV002907893.3), dbSNP rs1168009425, ClinGen allele CA406678236.
Genomic context (GRCh38, chr19:48,443,714, plus strand): 5'-CCGCCGCCGCCGCGCCCCACCACCACAGGCACCGGCGCGCCGCTGGGGGCTGGGACCTCC[C>A]GCCGCCCGCGCCCACCTCGCGCTCGCTCGAGGACCTCAGCTCGTGCCCTCGCGCCGCCCC-3'
Protein context (NP_000827.2, residues 1253-1273): HRRAAGGWDL[Pro1263Gln]PPAPTSRSLE